The following is an entry in ClinVar:

NM_001206744.2(TPO):c.2492T>G (p.Leu831Ter)

Genes: TPO (thyroid peroxidase; plus strand), LALTOP (lung cancer associated lncRNA targeting TOP2A; minus strand). Cytogenetic location: 2p25.3.
Variant type: single nucleotide variant.
Coding change: c.2492T>G on transcript NM_001206744.2 (MANE Select); coding-DNA position 2492, T replaced by G.
Protein change: p.Leu831Ter; replaces leucine 831 with a stop codon.
Molecular consequence: nonsense. On other transcripts: intron variant (1).
Genome position (GRCh38, 1-based): chr2:1,504,053, T>G. VCF-style: chr2-1504053-T-G. GRCh37 (hg19) VCF-style: chr2-1507825-T-G.
Other names: c.2492T>G, p.Leu831Ter (NM_000547.6); c.2321T>G, p.Leu774Ter (NM_001206745.2, NM_175719.4); c.1973T>G, p.Leu658Ter (NM_175722.3); c.2386+7288T>G (NM_175721.3); short protein forms L658*, L774*, L831*.
Identifiers: ClinVar variation 2581320 (VCV002581320.4), dbSNP rs771978129, ClinGen allele CA1512141.

ClinVar aggregate classification (germline): Pathogenic. Review status: criteria provided, multiple submitters, no conflicts (2 of 4 stars). 2 submissions from 2 submitters: Pathogenic (2). Last evaluated 2024-02-22.

Conditions:
Deficiency of iodide peroxidase (TDH2A). Also called: HYPOTHYROIDISM, CONGENITAL, DUE TO DYSHORMONOGENESIS, 2A; IODIDE PEROXIDASE DEFICIENCY; Thyroid dyshormonogenesis 2A; THYROID HORMONOGENESIS, GENETIC DEFECT IN, 2A; THYROID PEROXIDASE DEFICIENCY. Identifiers: Orphanet 95716, MedGen C1291299, MONDO:0010133, OMIM 274500.

Allele frequency attached by ClinVar (database versions not stated): ExAC 0.00001; gnomAD 0.00001; gnomAD exomes 0.00001.
gnomAD v4.1: 20 of 1,614,046 alleles (0.0012%); highest among the groups gnomAD compares: Non-Finnish European, 0.0015%; no homozygotes.

Submissions (2):

Labcorp Genetics (formerly Invitae), Labcorp
Classification: Pathogenic. Last evaluated: 2024-02-22. Review status: criteria provided, single submitter. Criteria: Invitae Variant Classification Sherloc (09022015). Collection method: clinical testing. Allele origin: germline.
Comment: This sequence change creates a premature translational stop signal (p.Leu831*) in the TPO gene. It is expected to result in an absent or disrupted protein product. Loss-of-function variants in TPO are known to be pathogenic (PMID: 11061528, 23236987, 25564141). This variant is present in population databases (rs771978129, gnomAD 0.004%). This variant has not been reported in the literature in individuals affected with TPO-related conditions. ClinVar contains an entry for this variant (Variation ID: 2581320). For these reasons, this variant has been classified as Pathogenic.

Women's Health and Genetics/Laboratory Corporation of America, LabCorp
Classification: Pathogenic for Deficiency of iodide peroxidase. Last evaluated: 2023-08-03. Review status: criteria provided, single submitter. Criteria: LabCorp Variant Classification Summary - May 2015. Collection method: clinical testing. Allele origin: germline.
Comment: Variant summary: TPO c.2492T>G (p.Leu831X) results in a premature termination codon, predicted to cause absence of the protein due to nonsense mediated decay, which is a commonly known mechanism for disease. The variant allele was found at a frequency of 4e-06 in 251442 control chromosomes (gnomAD). To our knowledge, no occurrence of c.2492T>G in individuals affected with Deficiency Of Iodide Peroxidase and no experimental evidence demonstrating its impact on protein function have been reported. No submitters have cited clinical-significance assessments for this variant to ClinVar after 2014. Based on the evidence outlined above, the variant was classified as pathogenic.

Literature cited by the submitters: PubMed 11061528 (cited by Labcorp Genetics (formerly Invitae), Labcorp); PubMed 23236987 (cited by Labcorp Genetics (formerly Invitae), Labcorp); PubMed 25564141 (cited by Labcorp Genetics (formerly Invitae), Labcorp).